The following is an entry in ClinVar:

ClinVar aggregate classification (germline): Likely benign. Review status: criteria provided, multiple submitters, no conflicts (2 of 4 stars). 6 submissions from 6 submitters: Likely benign (4). 2 of the submissions do not count toward it. Last evaluated 2026-01-05.

Conditions:
Alstrom syndrome (ALMS). Identifiers: Orphanet 64, MedGen C0268425, MONDO:0008763, OMIM 203800.
Cardiovascular phenotype. Identifiers: MedGen CN230736.

Allele frequency attached by ClinVar (database versions not stated): ExAC 0.00002; gnomAD exomes 0.00004; gnomAD 0.00005; TOPMed 0.00005.
gnomAD v4.1: 69 of 1,613,114 alleles (0.0043%); highest among the groups gnomAD compares: Non-Finnish European, 0.0056%; no homozygotes.

Submissions (6):

Labcorp Genetics (formerly Invitae), Labcorp
Classification: Likely benign for Alstrom syndrome. Last evaluated: 2026-01-05. Review status: criteria provided, single submitter. Criteria: Invitae Variant Classification Sherloc (09022015). Collection method: clinical testing. Allele origin: germline.

Blueprint Genetics
Classification: Likely benign. Last evaluated: 2024-03-18. Review status: criteria provided, single submitter. Criteria: ACMG Guidelines, 2015. Collection method: clinical testing. Allele origin: germline.

GeneDx
Classification: Likely benign. Last evaluated: 2021-06-21. Review status: criteria provided, single submitter. Criteria: GeneDx Variant Classification Process June 2021. Collection method: clinical testing. Allele origin: germline. Affected: yes.
Comment: Has not been previously published as pathogenic or benign to our knowledge; This variant is associated with the following publications: (PMID: 27535533)

Ambry Genetics
Classification: Likely benign for Cardiovascular phenotype. Last evaluated: 2019-06-11. Review status: criteria provided, single submitter. Criteria: Ambry Variant Classification Scheme 2023. Collection method: clinical testing. Allele origin: germline.

Clinical Genetics DNA and cytogenetics Diagnostics Lab, Erasmus MC, Erasmus Medical Center
Classification: Likely benign. Review status: no assertion criteria provided. Collection method: clinical testing. Allele origin: germline. Affected: yes. Study: VKGL Data-share Consensus. Not counted in ClinVar's aggregate classification.

Clinical Genetics, Academic Medical Center
Classification: Likely benign. Review status: no assertion criteria provided. Collection method: clinical testing. Allele origin: germline. Affected: yes. Study: VKGL Data-share Consensus. Not counted in ClinVar's aggregate classification.

NM_001378454.1(ALMS1):c.432G>A (p.Arg144=)

Gene: ALMS1 (ALMS1 centrosome and basal body associated protein; plus strand). Cytogenetic location: 2p13.1.
Variant type: single nucleotide variant.
Coding change: c.432G>A on transcript NM_001378454.1 (MANE Select); coding-DNA position 432, G replaced by A.
Protein change: p.Arg144=; no amino-acid change (arginine 144 retained).
Molecular consequence: synonymous variant.
Genome position (GRCh38, 1-based): chr2:73,408,729, G>A. VCF-style: chr2-73408729-G-A. GRCh37 (hg19) VCF-style: chr2-73635857-G-A.
Other names: c.435G>A, p.Arg145= (NM_015120.4).
Identifiers: ClinVar variation 701719 (VCV000701719.18), dbSNP rs772143925, ClinGen allele CA1712831.